The following is an entry in ClinVar:

NM_022356.4(P3H1):c.1523C>A (p.Thr508Asn)

Gene: P3H1 (prolyl 3-hydroxylase 1; minus strand). Cytogenetic location: 1p34.2.
Variant type: single nucleotide variant.
Coding change: c.1523C>A on transcript NM_022356.4 (MANE Select); coding-DNA position 1523, C replaced by A.
Protein change: p.Thr508Asn; replaces threonine 508 with asparagine.
Molecular consequence: missense variant.
Genome position (GRCh38, 1-based): chr1:42,752,320, G>T on the plus strand (C>A on the coding strand, the complement: P3H1 is on the minus strand). VCF-style: chr1-42752320-G-T. GRCh37 (hg19) VCF-style: chr1-43217991-G-T.
Other names: c.1523C>A, p.Thr508Asn (NM_001146289.2, NM_001243246.2); short protein forms T508N.
Identifiers: ClinVar variation 1516125 (VCV001516125.5), dbSNP rs759787229, ClinGen allele CA801809.
Genomic context (GRCh38, chr1:42,752,320, plus strand): 5'-AGTGTTGATCTTACCTTGAGGGCTTTGAAGACAGTGACACCATAGAACTTTTCATTGGGA[G>T]TATGTGGGGAGGTCTGACCCCGGTAGCCATCTCCTGAGGTTGCTGCCACCTACAAGGCCC-3'
Protein context (NP_071751.3, residues 498-518): DGYRGQTSPH[Thr508Asn]PNEKFYGVTV

ClinVar aggregate classification (germline): Uncertain significance (1 of 4 stars; one submission).

Conditions:
Osteogenesis imperfecta type 8 (OI8). Identifiers: MedGen C1970458, MONDO:0012581, OMIM 610915.

Allele frequency attached by ClinVar (database versions not stated): ExAC 0.00001; gnomAD exomes 0.00001.
gnomAD v4.1: 4 of 1,614,188 alleles (0.00025%); highest among the groups gnomAD compares: Admixed American, 0.0017%; no homozygotes.

Submission:

Labcorp Genetics (formerly Invitae), Labcorp
Classification: Uncertain significance for Osteogenesis imperfecta type 8. Last evaluated: 2022-05-14. Review status: criteria provided, single submitter. Criteria: Invitae Variant Classification Sherloc (09022015). Collection method: clinical testing. Allele origin: germline.
Comment: This sequence change replaces threonine, which is neutral and polar, with asparagine, which is neutral and polar, at codon 508 of the P3H1 protein (p.Thr508Asn). This variant is present in population databases (rs759787229, gnomAD 0.003%). This variant has not been reported in the literature in individuals affected with P3H1-related conditions. Algorithms developed to predict the effect of missense changes on protein structure and function are either unavailable or do not agree on the potential impact of this missense change (SIFT: "Deleterious"; PolyPhen-2: "Possibly Damaging"; Align-GVGD: "Class C0"). In summary, the available evidence is currently insufficient to determine the role of this variant in disease. Therefore, it has been classified as a Variant of Uncertain Significance.